The following is an entry in ClinVar:

ClinVar aggregate classification (germline): Conflicting classifications of pathogenicity. Review status: criteria provided, conflicting classifications (1 of 4 stars). 4 submissions from 3 submitters: Likely pathogenic (1); Uncertain significance (3). Last evaluated 2025-11-18.

Conditions:
Congenital myotonia, autosomal recessive form. Also called: Becker Generalized Myotonia; myotonia congenita, autosomal recessive; BECKER DISEASE. Identifiers: Orphanet 614, MedGen C0751360, MONDO:0009715, OMIM 255700.
Congenital myotonia, autosomal dominant form (THD). Also called: THOMSEN DISEASE; Myotonia congenita autosomal dominant. Identifiers: Orphanet 614, MedGen C2936781, MONDO:0008055, OMIM 160800.

gnomAD v4.1: 2 of 1,536,776 alleles (0.00013%); highest among the groups gnomAD compares: Middle Eastern, 0.017%; no homozygotes.

Submissions (4):

3billion
Classification: Uncertain significance for Congenital myotonia, autosomal recessive form. Last evaluated: 2025-11-18. Review status: criteria provided, single submitter. Criteria: ACMG Guidelines, 2015. Collection method: clinical testing. Allele origin: germline. Affected: yes.
Comment: The variant is observed at an extremely low frequency in the gnomAD v4.1.0 dataset (total allele frequency: <0.001%). Predicted Consequence/Location: Intron variant In silico tools predict the variant to alter splicing and produce an abnormal transcript [SpliceAI: 0.40 (>=0.2, moderate evidence for spliceogenicity)]. The variant has been reported to be associated with CLCN1-related disorder (PMID: 23113340). However, the evidence of pathogenicity is insufficient at this time. Therefore, this variant is classified as VUS according to the recommendation of ACMG/AMP guideline.

Fulgent Genetics
Classification: Likely pathogenic for Congenital myotonia, autosomal dominant form; Congenital myotonia, autosomal recessive form. Last evaluated: 2024-05-09. Review status: criteria provided, single submitter. Criteria: ACMG Guidelines, 2015. Collection method: clinical testing. Allele origin: germline.

Kariminejad - Najmabadi Pathology & Genetics Center
Classification: Uncertain significance for Congenital myotonia, autosomal dominant form; Congenital myotonia, autosomal recessive form. Last evaluated: 2024-02-19. Review status: criteria provided, single submitter. Criteria: ACMG Guidelines, 2015. Collection method: clinical testing. Allele origin: germline. Inheritance: Autosomal recessive inheritance. Affected: yes.
Comment: PM2,PP3,PM3-Supporting

Kariminejad - Najmabadi Pathology & Genetics Center
Classification: Uncertain significance for Congenital myotonia, autosomal recessive form. Last evaluated: 2023-12-18. Review status: criteria provided, single submitter. Criteria: ACMG Guidelines, 2015. Collection method: clinical testing. Allele origin: germline. Inheritance: Autosomal recessive inheritance. Affected: yes. Observed: 2 variant alleles.
Comment: PM2, PP3, PP1

Literature cited by the submitters: PubMed 23113340 (cited by 3billion).

NM_000083.3(CLCN1):c.1582+5G>A

Gene: CLCN1 (chloride voltage-gated channel 1; plus strand). Cytogenetic location: 7q34.
Variant type: single nucleotide variant.
Coding change: c.1582+5G>A on transcript NM_000083.3 (MANE Select); 5 bases into the intron after coding-DNA position 1582, G replaced by A.
Molecular consequence: intron variant.
Genome position (GRCh38, 1-based): chr7:143,339,626, G>A. VCF-style: chr7-143339626-G-A. GRCh37 (hg19) VCF-style: chr7-143036719-G-A.
Identifiers: ClinVar variation 3594423 (VCV003594423.3).